The following is an entry in ClinVar:

NM_000352.6(ABCC8):c.1980C>T (p.Thr660=)

Gene: ABCC8 (ATP binding cassette subfamily C member 8; minus strand). Cytogenetic location: 11p15.1.
Variant type: single nucleotide variant.
Coding change: c.1980C>T on transcript NM_000352.6 (MANE Select); coding-DNA position 1980, C replaced by T.
Protein change: p.Thr660=; no amino-acid change (threonine 660 retained).
Molecular consequence: synonymous variant. On other transcripts: non-coding transcript variant (1).
Genome position (GRCh38, 1-based): chr11:17,428,349, G>A on the plus strand (C>T on the coding strand, the complement: ABCC8 is on the minus strand). VCF-style: chr11-17428349-G-A. GRCh37 (hg19) VCF-style: chr11-17449896-G-A.
Other names: c.1980C>T, p.Thr660= (NM_001287174.3); c.2046C>T, p.Thr682= (NM_001351295.2); c.1977C>T, p.Thr659= (NM_001351296.2, NM_001351297.2).
Identifiers: ClinVar variation 754265 (VCV000754265.11), dbSNP rs766374930, ClinGen allele CA5903356.

ClinVar aggregate classification (germline): Conflicting classifications of pathogenicity. Review status: criteria provided, conflicting classifications (1 of 4 stars). 3 submissions from 2 submitters: Uncertain significance (2); Likely benign (1). Last evaluated 2024-01-21.

Conditions:
Transitory neonatal diabetes mellitus. Also called: Transient neonatal diabetes mellitus. Identifiers: MedGen C0342273, MONDO:0020525, HP:0008255.
Maturity-onset diabetes of the young (MODY). Also called: Maturity onset diabetes mellitus in young. Identifiers: Orphanet 552, MedGen C0342276, MONDO:0018911, HP:0004904.

Allele frequency attached by ClinVar (database versions not stated): ExAC 0.00001; gnomAD exomes 0.00001; TOPMed 0.00001.
gnomAD v4.1: 9 of 1,614,144 alleles (0.00056%); highest among the groups gnomAD compares: East Asian, 0.0022%; no homozygotes.

Submissions (3):

Labcorp Genetics (formerly Invitae), Labcorp
Classification: Likely benign. Last evaluated: 2024-01-21. Review status: criteria provided, single submitter. Criteria: Invitae Variant Classification Sherloc (09022015). Collection method: clinical testing. Allele origin: germline.

Clinical Genomics, Uppaluri K&H Personalized Medicine Clinic
Classification: Uncertain significance for Maturity-onset diabetes of the young. Review status: criteria provided, single submitter. Criteria: K & H Uppaluri Personalized Medicine Clinic Variant Classification & Assertion Criteria_Updated V.1. Collection method: research. Allele origin: unknown. Inheritance: Somatic mutation.
Comment: Mutations in ABCC8 gene are associated with both neonatal diabetes mellitus as well as MODY. Patients with this mutation may have a better response to sulfonylureas. However, no sufficient evidence is found to ascertain the role of this particular variant (rs766374930) in MODY yet.

Clinical Genomics, Uppaluri K&H Personalized Medicine Clinic
Classification: Uncertain significance for Transitory neonatal diabetes mellitus. Review status: criteria provided, single submitter. Criteria: K & H Uppaluri Personalized Medicine Clinic Variant Classification & Assertion Criteria_Updated V.1. Collection method: research. Allele origin: unknown. Inheritance: Somatic mutation.
Comment: Mutations in ABCC8 gene are associated with both neonatal diabetes mellitus as well as MODY. Patients with this mutation may have a better response to sulfonylureas. However, no sufficient evidence is found to ascertain the role of this particular variant (rs766374930) in neonatal diabetes yet.

Literature cited by the submitters: PubMed 16885549 (cited by Clinical Genomics, Uppaluri K&H Personalized Medicine Clinic); PubMed 27538677 (cited by Clinical Genomics, Uppaluri K&H Personalized Medicine Clinic); PubMed 21989597 (cited by Clinical Genomics, Uppaluri K&H Personalized Medicine Clinic); PubMed 18981553 (cited by Clinical Genomics, Uppaluri K&H Personalized Medicine Clinic); PubMed 16613899 (cited by Clinical Genomics, Uppaluri K&H Personalized Medicine Clinic); PubMed 32027066 (cited by Clinical Genomics, Uppaluri K&H Personalized Medicine Clinic); PubMed 18025408 (cited by Clinical Genomics, Uppaluri K&H Personalized Medicine Clinic); PubMed 32792356 (cited by Clinical Genomics, Uppaluri K&H Personalized Medicine Clinic).